The following is an entry in ClinVar:

ClinVar aggregate classification (germline): Uncertain significance. Review status: criteria provided, multiple submitters, no conflicts (2 of 4 stars). 3 submissions from 3 submitters: Uncertain significance (3). Last evaluated 2025-09-29.

Conditions:
COACH syndrome 1. Identifiers: Orphanet 1454, MedGen C5435651, MONDO:0800103, OMIM 216360, MONDO:0008996.
Nephronophthisis 11 (NPHP11). Identifiers: Orphanet 84081, MedGen C3150796, MONDO:0013302, OMIM 613550.
Bardet-Biedl syndrome 14 (BBS14). Identifiers: Orphanet 110, MedGen C2673874, MONDO:0014442, OMIM 615991.
Joubert syndrome 6 (JBTS6). Identifiers: Orphanet 475, MedGen C1853153, MONDO:0012539, OMIM 610688.
RHYNS syndrome. Also called: RETINITIS PIGMENTOSA SYNDROME; RETINITIS PIGMENTOSA, HYPOPITUITARISM, NEPHRONOPHTHISIS, AND MILD SKELETAL DYSPLASIA. Identifiers: Orphanet 140976, MedGen C1865794, MONDO:0011202, OMIM 602152.
Meckel syndrome, type 3 (MKS3). Also called: MECKEL-GRUBER SYNDROME, TYPE 3. Identifiers: Orphanet 564, MedGen C1846357, MONDO:0011821, OMIM 607361.
Meckel-Gruber syndrome. Also called: DYSENCEPHALIA SPLANCHNOCYSTICA; GRUBER SYNDROME; Dysencephalia splachnocystica. Identifiers: Orphanet 564, MedGen C0265215, MONDO:0018921.
Joubert syndrome. Also called: CEREBELLOPARENCHYMAL DISORDER IV; JOUBERT-BOLTSHAUSER SYNDROME; Familial aplasia of the vermis. Identifiers: Orphanet 475, MedGen C5979921, MONDO:0018772.
Inborn genetic diseases. Identifiers: MedGen C0950123, MeSH D030342.

gnomAD v4.1: 1 of 1,606,118 alleles (0.000062%); no homozygotes.

Submissions (3):

Labcorp Genetics (formerly Invitae), Labcorp
Classification: Uncertain significance for Joubert syndrome; Meckel-Gruber syndrome. Last evaluated: 2025-09-29. Review status: criteria provided, single submitter. Criteria: Invitae Variant Classification Sherloc (09022015). Collection method: clinical testing. Allele origin: germline.
Comment: This sequence change replaces cysteine, which is neutral and slightly polar, with tyrosine, which is neutral and polar, at codon 817 of the TMEM67 protein (p.Cys817Tyr). This variant is not present in population databases (gnomAD no frequency). This variant has not been reported in the literature in individuals affected with TMEM67-related conditions. ClinVar contains an entry for this variant (Variation ID: 1522076). Invitae Evidence Modeling of protein sequence and biophysical properties (such as structural, functional, and spatial information, amino acid conservation, physicochemical variation, residue mobility, and thermodynamic stability) indicates that this missense variant is expected to disrupt TMEM67 protein function with a positive predictive value of 95%. In summary, the available evidence is currently insufficient to determine the role of this variant in disease. Therefore, it has been classified as a Variant of Uncertain Significance.

Ambry Genetics
Classification: Uncertain significance for Inborn genetic diseases. Last evaluated: 2024-12-11. Review status: criteria provided, single submitter. Criteria: Ambry Variant Classification Scheme 2023. Collection method: clinical testing. Allele origin: germline.

Fulgent Genetics
Classification: Uncertain significance for COACH syndrome 1; RHYNS syndrome; Meckel syndrome, type 3; Joubert syndrome 6; Nephronophthisis 11; Bardet-Biedl syndrome 14. Last evaluated: 2021-09-21. Review status: criteria provided, single submitter. Criteria: ACMG Guidelines, 2015. Collection method: clinical testing. Allele origin: unknown.

NM_153704.6(TMEM67):c.2450G>A (p.Cys817Tyr)

Gene: TMEM67 (transmembrane protein 67; plus strand). Cytogenetic location: 8q22.1.
Variant type: single nucleotide variant.
Coding change: c.2450G>A on transcript NM_153704.6 (MANE Select); coding-DNA position 2450, G replaced by A.
Protein change: p.Cys817Tyr; replaces cysteine 817 with tyrosine.
Molecular consequence: missense variant. On other transcripts: non-coding transcript variant (1).
Genome position (GRCh38, 1-based): chr8:93,808,850, G>A. VCF-style: chr8-93808850-G-A. GRCh37 (hg19) VCF-style: chr8-94821078-G-A.
Other names: c.2450G>A (NM_153704.5); c.2207G>A, p.Cys736Tyr (NM_001142301.1); short protein forms C736Y, C817Y.
Identifiers: ClinVar variation 1522076 (VCV001522076.6), dbSNP rs2130780313, ClinGen allele CA371698873.